The following is an entry in ClinVar:

ClinVar aggregate classification (germline): Uncertain significance (1 of 4 stars; one submission).

gnomAD v4.1: 4 of 1,612,466 alleles (0.00025%); highest among the groups gnomAD compares: East Asian, 0.0045%; no homozygotes.

Submission:

Labcorp Genetics (formerly Invitae), Labcorp
Classification: Uncertain significance. Last evaluated: 2024-05-14. Review status: criteria provided, single submitter. Criteria: Invitae Variant Classification Sherloc (09022015). Collection method: clinical testing. Allele origin: germline.
Comment: This sequence change replaces histidine, which is basic and polar, with asparagine, which is neutral and polar, at codon 904 of the GANAB protein (p.His904Asn). This variant is not present in population databases (gnomAD no frequency). This variant has not been reported in the literature in individuals affected with GANAB-related conditions. Advanced modeling of protein sequence and biophysical properties (such as structural, functional, and spatial information, amino acid conservation, physicochemical variation, residue mobility, and thermodynamic stability) performed at Invitae indicates that this missense variant is not expected to disrupt GANAB protein function with a negative predictive value of 80%. In summary, the available evidence is currently insufficient to determine the role of this variant in disease. Therefore, it has been classified as a Variant of Uncertain Significance.

NM_198334.3(GANAB):c.2644C>A (p.His882Asn)

Gene: GANAB (glucosidase II alpha subunit; minus strand). Cytogenetic location: 11q12.3.
Variant type: single nucleotide variant.
Coding change: c.2644C>A on transcript NM_198334.3 (MANE Select); coding-DNA position 2644, C replaced by A.
Protein change: p.His882Asn; replaces histidine 882 with asparagine.
Molecular consequence: missense variant.
Genome position (GRCh38, 1-based): chr11:62,626,146, G>T on the plus strand (C>A on the coding strand, the complement: GANAB is on the minus strand). VCF-style: chr11-62626146-G-T. GRCh37 (hg19) VCF-style: chr11-62393618-G-T.
Other names: c.2368C>A, p.His790Asn (NM_001278192.2); c.2302C>A, p.His768Asn (NM_001278193.2); c.2353C>A, p.His785Asn (NM_001278194.2, NM_001329222.2, NM_001329223.2); c.1921C>A, p.His641Asn (NM_001329224.2, NM_001329225.2); c.2710C>A, p.His904Asn (NM_198335.4); short protein forms H904N, H768N, H790N, H882N, H641N, H785N.
Identifiers: ClinVar variation 3666008 (VCV003666008.2).